The following is an entry in ClinVar:

ClinVar aggregate classification (germline): Uncertain significance. Review status: criteria provided, multiple submitters, no conflicts (2 of 4 stars). 3 submissions from 3 submitters: Uncertain significance (3). Last evaluated 2025-07-16.

Conditions:
IFT140-related disorder. Also called: IFT140-related condition.
Saldino-Mainzer syndrome (SRTD9). Also called: short-rib thoracic dysplasia 9 with or without polydactyly; CONORENAL SYNDROME; Renal dysplasia, retinal pigmentary dystrophy, cerebellar ataxia and skeletal dysplasia; SHORT-RIB THORACIC DYSPLASIA 9 WITHOUT POLYDACTYLY. Identifiers: Orphanet 140969, MedGen C1849437, MONDO:0009964, OMIM 266920.
Retinitis pigmentosa 80 (RP80). Identifiers: MedGen C4540439, MONDO:0054708, OMIM 617781.

Allele frequency attached by ClinVar (database versions not stated): ExAC 0.00001; gnomAD 0.00002; TOPMed 0.00002.
gnomAD v4.1: 30 of 1,613,658 alleles (0.0019%); highest among the groups gnomAD compares: Middle Eastern, 0.017%; no homozygotes.

Submissions (3):

PreventionGenetics, part of Exact Sciences
Classification: Uncertain significance for IFT140-related condition. Last evaluated: 2025-07-16. Review status: criteria provided, single submitter. Criteria: ACMG Guidelines, 2015. Collection method: clinical testing. Allele origin: germline.
Comment: The IFT140 c.2372C>G variant is predicted to result in the amino acid substitution p.Ala791Gly. To our knowledge, this variant has not been reported in the literature. This variant is reported in 0.0062% of alleles in individuals of African descent in gnomAD. At this time, the clinical significance of this variant is uncertain due to the absence of conclusive functional and genetic evidence.

Labcorp Genetics (formerly Invitae), Labcorp
Classification: Uncertain significance for Saldino-Mainzer syndrome. Last evaluated: 2022-08-29. Review status: criteria provided, single submitter. Criteria: Invitae Variant Classification Sherloc (09022015). Collection method: clinical testing. Allele origin: germline.
Comment: This sequence change replaces alanine, which is neutral and non-polar, with glycine, which is neutral and non-polar, at codon 791 of the IFT140 protein (p.Ala791Gly). This variant is present in population databases (rs758544371, gnomAD 0.007%). This variant has not been reported in the literature in individuals affected with IFT140-related conditions. ClinVar contains an entry for this variant (Variation ID: 1055368). Algorithms developed to predict the effect of missense changes on protein structure and function are either unavailable or do not agree on the potential impact of this missense change (SIFT: "Deleterious"; PolyPhen-2: "Probably Damaging"; Align-GVGD: "Class C0"). In summary, the available evidence is currently insufficient to determine the role of this variant in disease. Therefore, it has been classified as a Variant of Uncertain Significance.

Fulgent Genetics
Classification: Uncertain significance for Saldino-Mainzer syndrome; Retinitis pigmentosa 80. Last evaluated: 2022-01-10. Review status: criteria provided, single submitter. Criteria: ACMG Guidelines, 2015. Collection method: clinical testing. Allele origin: unknown.

NM_014714.4(IFT140):c.2372C>G (p.Ala791Gly)

Gene: IFT140 (intraflagellar transport 140; minus strand). Cytogenetic location: 16p13.3.
Variant type: single nucleotide variant.
Coding change: c.2372C>G on transcript NM_014714.4 (MANE Select); coding-DNA position 2372, C replaced by G.
Protein change: p.Ala791Gly; replaces alanine 791 with glycine.
Molecular consequence: missense variant.
Genome position (GRCh38, 1-based): chr16:1,557,962, G>C on the plus strand (C>G on the coding strand, the complement: IFT140 is on the minus strand). VCF-style: chr16-1557962-G-C. GRCh37 (hg19) VCF-style: chr16-1607963-G-C.
Other names: c.2372C>G (NM_014714.3); short protein forms A791G.
Identifiers: ClinVar variation 1055368 (VCV001055368.7), dbSNP rs758544371, ClinGen allele CA7813925.
Genomic context (GRCh38, chr16:1,557,962, plus strand): 5'-ATCTCCCAACATCCCAGTGGTCGGGATCCTCACCTTTTGATGAGCTTGATGGATTTGAAG[G>C]CTTCGTCCATGTCTCCTATGGTGACAAAGAAGCTGAAGTGGAGCATGGCGTCCCGGGTGG-3'
Protein context (NP_055529.2, residues 781-801): FFVTIGDMDE[Ala791Gly]FKSIKLIKSE